The following is an entry in ClinVar:

NM_001458.5(FLNC):c.3153G>A (p.Pro1051=)

Gene: FLNC (filamin C; plus strand). Cytogenetic location: 7q32.1.
Variant type: single nucleotide variant.
Coding change: c.3153G>A on transcript NM_001458.5 (MANE Select); coding-DNA position 3153, G replaced by A.
Protein change: p.Pro1051=; no amino-acid change (proline 1051 retained).
Molecular consequence: synonymous variant.
Genome position (GRCh38, 1-based): chr7:128,844,227, G>A. VCF-style: chr7-128844227-G-A. GRCh37 (hg19) VCF-style: chr7-128484281-G-A.
Other names: p.Pro1051=; c.3153G>A, p.Pro1051= (NM_001127487.2).
Identifiers: ClinVar variation 706458 (VCV000706458.24), dbSNP rs373694043, ClinGen allele CA4474968.
Genomic context (GRCh38, chr7:128,844,227, plus strand): 5'-GGAGGAGGGGCCCTACAAGGTGGATATCACCTACGATGGTCACCCGGTGCCTGGCAGCCC[G>A]TTTGCTGTGGAGGGTGTCCTGCCCCCTGATCCCTCCAAGGTGAGGAGATAGGAGCTGGTT-3'
Protein context (NP_001449.3, residues 1041-1061): TYDGHPVPGS[Pro1051=]FAVEGVLPPD

ClinVar aggregate classification (germline): Likely benign. Review status: criteria provided, multiple submitters, no conflicts (2 of 4 stars). 10 submissions from 10 submitters: Likely benign (6). 4 of the submissions do not count toward it. Last evaluated 2026-02-03.

Conditions:
Cardiomyopathy (CMYO). Also called: Cardiomyopathies. Identifiers: Orphanet 167848, MedGen C0878544, MONDO:0004994, HP:0001638. Inheritance: Various modes of inheritance.
Myofibrillar myopathy 5. Also called: Filaminopathy (type); FILAMINOPATHY, AUTOSOMAL DOMINANT. Identifiers: Orphanet 171445, MedGen C1836050, MONDO:0012289, OMIM 609524.
Distal myopathy with posterior leg and anterior hand involvement. Also called: WILLIAMS DISTAL MYOPATHY. Identifiers: Orphanet 63273, MedGen C3279722, MONDO:0013550, OMIM 614065.
Hypertrophic cardiomyopathy 26. Also called: Cardiomyopathy, familial hypertrophic, 26. Identifiers: Orphanet 75249, MedGen C4310749, MONDO:0014883, OMIM 617047.
Cardiovascular phenotype. Identifiers: MedGen CN230736.
FLNC-related disorder. Also called: FLNC-related condition; FLNC-related disorders.

Allele frequency attached by ClinVar (database versions not stated): TOPMed 0.00013; gnomAD 0.00014 and 0.00015; ESP Exome Variant Server 0.00024.
gnomAD v4.1: 149 of 1,611,256 alleles (0.0092%); highest among the groups gnomAD compares: African/African-American, 0.013%; no homozygotes.

Submissions (10):

Labcorp Genetics (formerly Invitae), Labcorp
Classification: Likely benign for Distal myopathy with posterior leg and anterior hand involvement; Myofibrillar myopathy 5; Hypertrophic cardiomyopathy 26. Last evaluated: 2026-02-03. Review status: criteria provided, single submitter. Criteria: Invitae Variant Classification Sherloc (09022015). Collection method: clinical testing. Allele origin: germline.

Mayo Clinic Laboratories, Mayo Clinic
Classification: Likely benign. Last evaluated: 2025-06-19. Review status: criteria provided, single submitter. Criteria: ACMG Guidelines, 2015. Collection method: clinical testing. Allele origin: germline. Observed: 2 variant alleles.
Comment: BS2, BP4, BP7

Blueprint Genetics
Classification: Likely benign. Last evaluated: 2024-09-30. Review status: criteria provided, single submitter. Criteria: ACMG Guidelines, 2015. Collection method: clinical testing. Allele origin: germline.

CHEO Genetics Diagnostic Laboratory, Children's Hospital of Eastern Ontario
Classification: Likely benign for Cardiomyopathy. Last evaluated: 2022-02-24. Review status: criteria provided, single submitter. Criteria: ACMG Guidelines, 2015. Collection method: clinical testing. Allele origin: germline.

GeneDx
Classification: Likely benign. Last evaluated: 2020-11-24. Review status: criteria provided, single submitter. Criteria: GeneDx Variant Classification Process June 2021. Collection method: clinical testing. Allele origin: germline. Affected: yes.

Ambry Genetics
Classification: Likely benign for Cardiovascular phenotype. Last evaluated: 2019-04-02. Review status: criteria provided, single submitter. Criteria: Ambry Variant Classification Scheme 2023. Collection method: clinical testing. Allele origin: germline.

PreventionGenetics, part of Exact Sciences
Classification: Likely benign for FLNC-related condition. Last evaluated: 2020-10-28. Review status: no assertion criteria provided. Collection method: clinical testing. Allele origin: germline. Not counted in ClinVar's aggregate classification.
Comment: This variant is classified as likely benign based on ACMG/AMP sequence variant interpretation guidelines (Richards et al. 2015 PMID: 25741868, with internal and published modifications).

Clinical Genetics DNA and cytogenetics Diagnostics Lab, Erasmus MC, Erasmus Medical Center
Classification: Likely benign. Review status: no assertion criteria provided. Collection method: clinical testing. Allele origin: germline. Affected: yes. Study: VKGL Data-share Consensus. Not counted in ClinVar's aggregate classification.

Genome Diagnostics Laboratory, University Medical Center Utrecht
Classification: Likely benign. Review status: no assertion criteria provided. Collection method: clinical testing. Allele origin: germline. Affected: yes. Study: VKGL Data-share Consensus. Not counted in ClinVar's aggregate classification.

Joint Genome Diagnostic Labs from Nijmegen and Maastricht, Radboudumc and MUMC+
Classification: Likely benign. Review status: no assertion criteria provided. Collection method: clinical testing. Allele origin: germline. Affected: yes. Study: VKGL Data-share Consensus. Not counted in ClinVar's aggregate classification.